The following is an entry in ClinVar:

NM_001009944.3(PKD1):c.12642C>T (p.Arg4214=)

Gene: PKD1 (polycystin 1, transient receptor potential channel interacting; minus strand). Cytogenetic location: 16p13.3.
Variant type: single nucleotide variant.
Coding change: c.12642C>T on transcript NM_001009944.3 (MANE Select); coding-DNA position 12642, C replaced by T.
Protein change: p.Arg4214=; no amino-acid change (arginine 4214 retained).
Molecular consequence: synonymous variant.
Genome position (GRCh38, 1-based): chr16:2,089,997, G>A on the plus strand (C>T on the coding strand, the complement: PKD1 is on the minus strand). VCF-style: chr16-2089997-G-A. GRCh37 (hg19) VCF-style: chr16-2139998-G-A.
Other names: c.12639C>T, p.Arg4213= (NM_000296.4).
Identifiers: ClinVar variation 3030354 (VCV003030354.2), dbSNP rs781028460, ClinGen allele CA7828516.

ClinVar aggregate classification (germline): Likely benign (0 of 4 stars; one submission).

Conditions:
PKD1-related disorder. Also called: PKD1-related condition.

Allele frequency attached by ClinVar (database versions not stated): gnomAD exomes below 0.00001; ExAC 0.00001; TOPMed 0.00001; gnomAD 0.00002.
gnomAD v4.1: 6 of 1,610,512 alleles (0.00037%); highest among the groups gnomAD compares: East Asian, 0.0089%; no homozygotes.

Submission:

PreventionGenetics, part of Exact Sciences
Classification: Likely benign for PKD1-related condition. Last evaluated: 2020-12-15. Review status: no assertion criteria provided. Collection method: clinical testing. Allele origin: germline.
Comment: This variant is classified as likely benign based on ACMG/AMP sequence variant interpretation guidelines (Richards et al. 2015 PMID: 25741868, with internal and published modifications).